The following is an entry in ClinVar:

ClinVar aggregate classification (germline): Uncertain significance. Review status: criteria provided, multiple submitters, no conflicts (2 of 4 stars). 2 submissions from 2 submitters: Uncertain significance (2). Last evaluated 2025-09-04.

gnomAD v4.1: 135 of 1,612,728 alleles (0.0084%); highest among the groups gnomAD compares: Admixed American, 0.012%; no homozygotes.

Submissions (2):

Labcorp Genetics (formerly Invitae), Labcorp
Classification: Uncertain significance. Last evaluated: 2025-09-04. Review status: criteria provided, single submitter. Criteria: Invitae Variant Classification Sherloc (09022015). Collection method: clinical testing. Allele origin: germline.
Comment: This sequence change replaces glutamic acid, which is acidic and polar, with aspartic acid, which is acidic and polar, at codon 209 of the SUCLG2 protein (p.Glu209Asp). This variant is present in population databases (rs199517072, gnomAD 0.01%). This variant has not been reported in the literature in individuals affected with SUCLG2-related conditions. ClinVar contains an entry for this variant (Variation ID: 3703791). An algorithm developed to predict the effect of missense changes on protein structure and function (PolyPhen-2) suggests that this variant is likely to be tolerated. In summary, the available evidence is currently insufficient to determine the role of this variant in disease. Therefore, it has been classified as a Variant of Uncertain Significance.

Ambry Genetics
Classification: Uncertain significance. Last evaluated: 2025-02-22. Review status: criteria provided, single submitter. Criteria: Ambry Variant Classification Scheme 2023. Collection method: clinical testing. Allele origin: germline.

NM_003848.4(SUCLG2):c.627A>C (p.Glu209Asp)

Gene: SUCLG2 (succinate-CoA ligase GDP-forming subunit beta; minus strand). Cytogenetic location: 3p14.1.
Variant type: single nucleotide variant.
Coding change: c.627A>C on transcript NM_003848.4 (MANE Select); coding-DNA position 627, A replaced by C.
Protein change: p.Glu209Asp; replaces glutamic acid 209 with aspartic acid.
Molecular consequence: missense variant.
Genome position (GRCh38, 1-based): chr3:67,518,280, T>G on the plus strand (A>C on the coding strand, the complement: SUCLG2 is on the minus strand). VCF-style: chr3-67518280-T-G. GRCh37 (hg19) VCF-style: chr3-67568704-T-G.
Other names: c.627A>C (NM_001177599.1); c.627A>C, p.Glu209Asp (NM_001177599.2); short protein forms E209D.
Identifiers: ClinVar variation 3703791 (VCV003703791.3).
Genomic context (GRCh38, chr3:67,518,280, plus strand): 5'-CACACCATCCCCCAATGGCTTATATACCTGGCTTTTCAAAGGCCCAACGAAGCCTAGATT[T>G]TCGGCCATCCGCTGAGCTTGGCTGTCCTTTATTCCTTCAAAAATGTCAATTTGCTCCTAG-3'
Protein context (NP_003839.2, residues 199-219): IKDSQAQRMA[Glu209Asp]NLGFVGPLKS